The following is an entry in ClinVar:

NM_003873.7(NRP1):c.72C>T (p.Asn24=)

Gene: NRP1 (neuropilin 1; minus strand). Cytogenetic location: 10p11.22.
Variant type: single nucleotide variant.
Coding change: c.72C>T on transcript NM_003873.7 (MANE Select); coding-DNA position 72, C replaced by T.
Protein change: p.Asn24=; no amino-acid change (asparagine 24 retained).
Molecular consequence: synonymous variant. On other transcripts: non-coding transcript variant (1).
Genome position (GRCh38, 1-based): chr10:33,334,311, G>A on the plus strand (C>T on the coding strand, the complement: NRP1 is on the minus strand). VCF-style: chr10-33334311-G-A. GRCh37 (hg19) VCF-style: chr10-33623239-G-A.
Other names: c.72C>T, p.Asn24= (NM_001024628.3, NM_001024629.3, NM_001244972.2 and 2 more transcripts).
Identifiers: ClinVar variation 3033757 (VCV003033757.2), dbSNP rs749190929, ClinGen allele CA5467051.

ClinVar aggregate classification (germline): Likely benign (0 of 4 stars; one submission).

Conditions:
NRP1-related disorder. Also called: NRP1-related condition.

Allele frequency attached by ClinVar (database versions not stated): gnomAD exomes 0.00008; ExAC 0.00016; TOPMed 0.00040.
gnomAD v4.1: 162 of 1,541,944 alleles (0.011%); highest among the groups gnomAD compares: Non-Finnish European, 0.0081%; 1 homozygote.

Submission:

PreventionGenetics, part of Exact Sciences
Classification: Likely benign for NRP1-related condition. Last evaluated: 2022-03-30. Review status: no assertion criteria provided. Collection method: clinical testing. Allele origin: germline.
Comment: This variant is classified as likely benign based on ACMG/AMP sequence variant interpretation guidelines (Richards et al. 2015 PMID: 25741868, with internal and published modifications).